The following is an entry in ClinVar:

NM_004859.4(CLTC):c.4425A>T (p.Glu1475Asp)

Genes: CLTC (clathrin heavy chain; plus strand), LOC126862609 (CDK7 strongly-dependent group 2 enhancer GRCh37_chr17:57760547-57761746; plus strand). Cytogenetic location: 17q23.1.
Variant type: single nucleotide variant.
Coding change: c.4425A>T on transcript NM_004859.4 (MANE Select); coding-DNA position 4425, A replaced by T.
Protein change: p.Glu1475Asp; replaces glutamic acid 1475 with aspartic acid.
Molecular consequence: missense variant.
Genome position (GRCh38, 1-based): chr17:59,683,976, A>T. VCF-style: chr17-59683976-A-T. GRCh37 (hg19) VCF-style: chr17-57761337-A-T.
Other names: c.4437A>T, p.Glu1479Asp (NM_001288653.2); short protein forms E1475D, E1479D.
Identifiers: ClinVar variation 3666125 (VCV003666125.2).

ClinVar aggregate classification (germline): Uncertain significance (1 of 4 stars; one submission).

Submission:

Labcorp Genetics (formerly Invitae), Labcorp
Classification: Uncertain significance. Last evaluated: 2024-11-27. Review status: criteria provided, single submitter. Criteria: Invitae Variant Classification Sherloc (09022015). Collection method: clinical testing. Allele origin: germline.
Comment: This sequence change replaces glutamic acid, which is acidic and polar, with aspartic acid, which is acidic and polar, at codon 1479 of the CLTC protein (p.Glu1479Asp). This variant is not present in population databases (gnomAD no frequency). This variant has not been reported in the literature in individuals affected with CLTC-related conditions. Invitae Evidence Modeling of protein sequence and biophysical properties (such as structural, functional, and spatial information, amino acid conservation, physicochemical variation, residue mobility, and thermodynamic stability) indicates that this missense variant is not expected to disrupt CLTC protein function with a negative predictive value of 80%. In summary, the available evidence is currently insufficient to determine the role of this variant in disease. Therefore, it has been classified as a Variant of Uncertain Significance.